The following is an entry in ClinVar:

ClinVar aggregate classification (germline): Uncertain significance (1 of 4 stars; one submission).

Conditions:
Inborn genetic diseases. Identifiers: MedGen C0950123, MeSH D030342.

Allele frequency attached by ClinVar (database versions not stated): gnomAD 0.00001; TOPMed 0.00003.
gnomAD v4.1: 43 of 1,613,950 alleles (0.0027%); highest among the groups gnomAD compares: Non-Finnish European, 0.0034%; no homozygotes.

Submission:

Ambry Genetics
Classification: Uncertain significance for Inborn genetic diseases. Last evaluated: 2020-11-19. Review status: criteria provided, single submitter. Criteria: Ambry Variant Classification Scheme 2023. Collection method: clinical testing. Allele origin: germline.
Comment: The c.3427G>A (p.G1143S) alteration is located in coding exon 24 of the DCC gene. This alteration results from a G to A substitution at nucleotide position 3427, causing the glycine (G) at amino acid position 1143 to be replaced by a serine (S). Based on data from the Genome Aggregation Database (gnomAD) database, the DCC c.3427G>A alteration was observed in 0.0012% (3/251322) of total alleles studied, with a frequency of 0.01% (1/16254) in the African subpopulation. This amino acid position is highly conserved in available vertebrate species. The p.G1143S alteration is predicted to be tolerated by in silico analysis. Based on insufficient or conflicting evidence, the clinical significance of this alteration remains unclear.

NM_005215.4(DCC):c.3427G>A (p.Gly1143Ser)

Gene: DCC (DCC netrin 1 receptor; plus strand). Cytogenetic location: 18q21.2.
Variant type: single nucleotide variant.
Coding change: c.3427G>A on transcript NM_005215.4 (MANE Select); coding-DNA position 3427, G replaced by A.
Protein change: p.Gly1143Ser; replaces glycine 1143 with serine.
Molecular consequence: missense variant.
Genome position (GRCh38, 1-based): chr18:53,459,266, G>A. VCF-style: chr18-53459266-G-A. GRCh37 (hg19) VCF-style: chr18-50985636-G-A.
Other names: short protein forms G1143S.
Identifiers: ClinVar variation 2401610 (VCV002401610.2), dbSNP rs948508381, ClinGen allele CA300866145.
Genomic context (GRCh38, chr18:53,459,266, plus strand): 5'-ATTTGCCTTCTAACTTTGTTCCATAGGAAACGGGCCACCCACAGTGCTGGCAAAAGGAAG[G>A]GCAGCCAGAAGGACCTCCGACCCCCTGATCTTTGGATCCATCATGAAGAAATGGAGATGA-3'
Protein context (NP_005206.2, residues 1133-1153): RATHSAGKRK[Gly1143Ser]SQKDLRPPDL